The following is an entry in ClinVar:

ClinVar aggregate classification (germline): Likely benign. Review status: criteria provided, multiple submitters, no conflicts (2 of 4 stars). 2 submissions from 2 submitters: Likely benign (2). Last evaluated 2025-12-21.

Conditions:
Hajdu-Cheney syndrome (HJCYS). Also called: ACROOSTEOLYSIS WITH OSTEOPOROSIS AND CHANGES IN SKULL AND MANDIBLE; SERPENTINE FIBULA-POLYCYSTIC KIDNEY SYNDROME; Acroosteolysis dominant type. Identifiers: Orphanet 955, MedGen C0917715, MONDO:0007057, OMIM 102500.

gnomAD v4.1: 5 of 1,613,978 alleles (0.00031%); highest among the groups gnomAD compares: South Asian, 0.0011%; no homozygotes.

Submissions (2):

Labcorp Genetics (formerly Invitae), Labcorp
Classification: Likely benign for Hajdu-Cheney syndrome. Last evaluated: 2025-12-21. Review status: criteria provided, single submitter. Criteria: Invitae Variant Classification Sherloc (09022015). Collection method: clinical testing. Allele origin: germline.

CeGaT Center for Human Genetics Tuebingen
Classification: Likely benign. Last evaluated: 2025-09-01. Review status: criteria provided, single submitter. Criteria: CeGaT Center For Human Genetics Tuebingen Variant Classification Criteria Version 2. Collection method: clinical testing. Allele origin: germline. Affected: yes. Observed: 1 variant allele.
Comment: NOTCH2: BP4, BP7

NM_024408.4(NOTCH2):c.1356T>C (p.Arg452=)

Gene: NOTCH2 (notch receptor 2; minus strand). Cytogenetic location: 1p12.
Variant type: single nucleotide variant.
Coding change: c.1356T>C on transcript NM_024408.4 (MANE Select); coding-DNA position 1356, T replaced by C.
Protein change: p.Arg452=; no amino-acid change (arginine 452 retained).
Molecular consequence: synonymous variant.
Genome position (GRCh38, 1-based): chr1:119,967,530, A>G on the plus strand (T>C on the coding strand, the complement: NOTCH2 is on the minus strand). VCF-style: chr1-119967530-A-G. GRCh37 (hg19) VCF-style: chr1-120510153-A-G.
Other names: c.1356T>C, p.Arg452= (NM_001200001.2).
Identifiers: ClinVar variation 4534883 (VCV004534883.7).